The following is an entry in ClinVar:

NM_004963.4(GUCY2C):c.2551G>A (p.Asp851Asn)

Gene: GUCY2C (guanylate cyclase 2C; minus strand). Cytogenetic location: 12p12.3.
Variant type: single nucleotide variant.
Coding change: c.2551G>A on transcript NM_004963.4 (MANE Select); coding-DNA position 2551, G replaced by A.
Protein change: p.Asp851Asn; replaces aspartic acid 851 with asparagine.
Molecular consequence: missense variant.
Genome position (GRCh38, 1-based): chr12:14,622,055, C>T on the plus strand (G>A on the coding strand, the complement: GUCY2C is on the minus strand). VCF-style: chr12-14622055-C-T. GRCh37 (hg19) VCF-style: chr12-14774989-C-T.
Other names: short protein forms D851N.
Identifiers: ClinVar variation 2740187 (VCV002740187.3), dbSNP rs370239550, ClinGen allele CA6463052.

ClinVar aggregate classification (germline): Uncertain significance (1 of 4 stars; one submission).

Allele frequency attached by ClinVar (database versions not stated): gnomAD exomes below 0.00001; ExAC 0.00002; gnomAD 0.00003; TOPMed 0.00003; ESP Exome Variant Server 0.00008.
gnomAD v4.1: 8 of 1,610,484 alleles (0.0005%); highest among the groups gnomAD compares: African/African-American, 0.0094%; no homozygotes.

Submission:

Labcorp Genetics (formerly Invitae), Labcorp
Classification: Uncertain significance. Last evaluated: 2024-07-19. Review status: criteria provided, single submitter. Criteria: Invitae Variant Classification Sherloc (09022015). Collection method: clinical testing. Allele origin: germline.
Comment: This sequence change replaces aspartic acid, which is acidic and polar, with asparagine, which is neutral and polar, at codon 851 of the GUCY2C protein (p.Asp851Asn). This variant is present in population databases (rs370239550, gnomAD 0.01%). This variant has not been reported in the literature in individuals affected with GUCY2C-related conditions. Advanced modeling of protein sequence and biophysical properties (such as structural, functional, and spatial information, amino acid conservation, physicochemical variation, residue mobility, and thermodynamic stability) performed at Invitae indicates that this missense variant is not expected to disrupt GUCY2C protein function with a negative predictive value of 80%. In summary, the available evidence is currently insufficient to determine the role of this variant in disease. Therefore, it has been classified as a Variant of Uncertain Significance.